The following is an entry in ClinVar:

ClinVar aggregate classification (germline): Benign. Review status: criteria provided, single submitter (1 of 4 stars). 2 submissions from 2 submitters: Benign (1). 1 of the submissions does not count toward it. Last evaluated 2025-02-07.

Conditions:
Mitochondrial inheritance. Identifiers: MedGen C0887941, HP:0001427.
MELAS syndrome (MELAS). Also called: Juvenile myopathy, encephalopathy, lactic acidosis, stroke. Identifiers: Orphanet 550, MedGen C0162671, MONDO:0010789, OMIM 540000.

Submissions (2):

Mendelics
Classification: Benign for MELAS syndrome. Last evaluated: 2025-02-07. Review status: criteria provided, single submitter. Criteria: ACMG Guidelines, 2015. Collection method: clinical testing. Allele origin: unknown.
Comment: This variant is considered likely benign or benign based on one or more of the following: it is predicted to be benign by multiple in silico algorithms, and/or has population frequency not consistent with disease, and/or has normal protein function, and/or has lack of segregation with disease, and/or has been detected in co-occurrence with known pathogenic variant, and/or has lack of disease association in case-control studies, and/or is located in a region inconsistent with a known cause of pathogenicity. GnomAD 4.1.0 frequency 0.06228 homoplsmic/8 heteroplasmic

Department of Pediatrics, Division of Medical Genetics, Faculty of Medicine Ramathibodi Hospital, Mahidol University
Classification: Uncertain significance for Mitochondrial inheritance. Review status: no assertion criteria provided. Collection method: research. Allele origin: maternal. Inheritance: Mitochondrial inheritance. Affected: yes. Not counted in ClinVar's aggregate classification.

NC_012920.1:m.8272CCCCCTCTA[1]

Variant type: Microsatellite.
Genome position: chrM-8270-CACCCCCTCT-C.
Identifiers: ClinVar variation 1526265 (VCV001526265.3), dbSNP rs369704279, ClinGen allele CA337097828.